The following is an entry in ClinVar:

NM_004453.4(ETFDH):c.655G>A (p.Val219Ile)

Gene: ETFDH (electron transfer flavoprotein dehydrogenase; plus strand). Cytogenetic location: 4q32.1.
Variant type: single nucleotide variant.
Coding change: c.655G>A on transcript NM_004453.4 (MANE Select); coding-DNA position 655, G replaced by A.
Protein change: p.Val219Ile; replaces valine 219 with isoleucine.
Molecular consequence: missense variant.
Genome position (GRCh38, 1-based): chr4:158,690,396, G>A. VCF-style: chr4-158690396-G-A. GRCh37 (hg19) VCF-style: chr4-159611548-G-A.
Other names: c.514G>A, p.Val172Ile (NM_001281737.2); c.472G>A, p.Val158Ile (NM_001281738.1); short protein forms V158I, V172I, V219I.
Identifiers: ClinVar variation 2176734 (VCV002176734.2), dbSNP rs1286185214, ClinGen allele CA358559997.

ClinVar aggregate classification (germline): Uncertain significance (1 of 4 stars; one submission).

Conditions:
Multiple acyl-CoA dehydrogenase deficiency (MADD). Also called: Glutaric Acidemia type 2; Glutaric aciduria, type 2; ETHYLMALONIC-ADIPICACIDURIA; GA II; Glutaric acidemia type II; GA 2. Identifiers: Orphanet 26791, MedGen C0268596, MONDO:0009282, OMIM 231680.

Allele frequency attached by ClinVar (database versions not stated): gnomAD exomes below 0.00001.
gnomAD v4.1: 3 of 1,601,996 alleles (0.00019%); highest among the groups gnomAD compares: Admixed American, 0.0017%; no homozygotes.

Submission:

Labcorp Genetics (formerly Invitae), Labcorp
Classification: Uncertain significance for Multiple acyl-CoA dehydrogenase deficiency. Last evaluated: 2022-08-13. Review status: criteria provided, single submitter. Criteria: Invitae Variant Classification Sherloc (09022015). Collection method: clinical testing. Allele origin: germline.
Comment: In summary, the available evidence is currently insufficient to determine the role of this variant in disease. Therefore, it has been classified as a Variant of Uncertain Significance. Algorithms developed to predict the effect of missense changes on protein structure and function (SIFT, PolyPhen-2, Align-GVGD) all suggest that this variant is likely to be tolerated. This variant has not been reported in the literature in individuals affected with ETFDH-related conditions. This variant is present in population databases (no rsID available, gnomAD 0.0009%). This sequence change replaces valine, which is neutral and non-polar, with isoleucine, which is neutral and non-polar, at codon 219 of the ETFDH protein (p.Val219Ile).